The following is an entry in ClinVar:

NM_152384.3(BBS5):c.54dup (p.Ala19fs)

Genes: BBS5 (Bardet-Biedl syndrome 5; plus strand), LOC129935068 (ATAC-STARR-seq lymphoblastoid active region 16738; plus strand). Cytogenetic location: 2q31.1.
Variant type: Duplication.
Coding change: c.54dup on transcript NM_152384.3 (MANE Select); coding-DNA position 54, one base duplicated (C; older notation c.54dupC).
Protein change: p.Ala19fs; shifts the reading frame from alanine 19.
Molecular consequence: frameshift variant.
Genome position (GRCh38, 1-based): chr2:169,479,607, C duplicated; the last of 2 consecutive C bases (chr2:169,479,606-169,479,607); duplicating either gives the same sequence. VCF-style (leftmost placement, unchanged base first): chr2-169479605-T-TC. GRCh37 (hg19) VCF-style: chr2-170336115-T-TC.
Other names: short protein forms A19fs.
Identifiers: ClinVar variation 2883010 (VCV002883010.4), dbSNP rs779405152, ClinGen allele CA1956080.

ClinVar aggregate classification (germline): Pathogenic. Review status: criteria provided, multiple submitters, no conflicts (2 of 4 stars). 2 submissions from 2 submitters: Pathogenic (2). Last evaluated 2024-05-07.

Conditions:
Bardet-Biedl syndrome (BBS). Identifiers: Orphanet 110, MedGen C0752166, MONDO:0015229.
Bardet-Biedl syndrome 5 (BBS5). Identifiers: Orphanet 110, MedGen C3892039, MONDO:0014434, OMIM 615983.

Submissions (2):

Fulgent Genetics
Classification: Pathogenic for Bardet-Biedl syndrome 5. Last evaluated: 2024-05-07. Review status: criteria provided, single submitter. Criteria: ACMG Guidelines, 2015. Collection method: clinical testing. Allele origin: germline.

Labcorp Genetics (formerly Invitae), Labcorp
Classification: Pathogenic for Bardet-Biedl syndrome. Last evaluated: 2023-05-21. Review status: criteria provided, single submitter. Criteria: Invitae Variant Classification Sherloc (09022015). Collection method: clinical testing. Allele origin: germline.
Comment: This premature translational stop signal has been observed in individual(s) with Bardet-Biedl syndrome (PMID: 21209035). This sequence change creates a premature translational stop signal (p.Ala19Argfs*14) in the BBS5 gene. It is expected to result in an absent or disrupted protein product. Loss-of-function variants in BBS5 are known to be pathogenic (PMID: 15137946, 16877420, 26325687, 27708425, 28041643, 29806606). This variant is present in population databases (rs779405152, gnomAD 0.002%). For these reasons, this variant has been classified as Pathogenic.

Literature cited by the submitters: PubMed 21209035 (cited by Labcorp Genetics (formerly Invitae), Labcorp); PubMed 15137946 (cited by Labcorp Genetics (formerly Invitae), Labcorp); PubMed 16877420 (cited by Labcorp Genetics (formerly Invitae), Labcorp); PubMed 26325687 (cited by Labcorp Genetics (formerly Invitae), Labcorp); PubMed 27708425 (cited by Labcorp Genetics (formerly Invitae), Labcorp); PubMed 28041643 (cited by Labcorp Genetics (formerly Invitae), Labcorp); PubMed 29806606 (cited by Labcorp Genetics (formerly Invitae), Labcorp).